The following is an entry in ClinVar:

NM_000540.3(RYR1):c.8090G>A (p.Arg2697His)

Gene: RYR1 (ryanodine receptor 1; plus strand). Cytogenetic location: 19q13.2.
Variant type: single nucleotide variant.
Coding change: c.8090G>A on transcript NM_000540.3 (MANE Select); coding-DNA position 8090, G replaced by A.
Protein change: p.Arg2697His; replaces arginine 2697 with histidine.
Molecular consequence: missense variant.
Genome position (GRCh38, 1-based): chr19:38,504,770, G>A. VCF-style: chr19-38504770-G-A. GRCh37 (hg19) VCF-style: chr19-38995410-G-A.
Other names: c.8090G>A, p.Arg2697His (NM_001042723.2); short protein forms R2697H.
Identifiers: ClinVar variation 863934 (VCV000863934.9), dbSNP rs1254090942, ClinGen allele CA16622097.

ClinVar aggregate classification (germline): Uncertain significance. Review status: criteria provided, multiple submitters, no conflicts (2 of 4 stars). 3 submissions from 3 submitters: Uncertain significance (3). Last evaluated 2024-03-06.

Conditions:
RYR1-related disorder. Also called: RYR1-related disorders; RYR1-related condition. Identifiers: MedGen CN239331.
Malignant hyperthermia, susceptibility to, 1 (MHS1). Also called: Anesthesia related hyperthermia; Malignant hyperpyrexia; Fulminating hyperpyrexia; Pharmacogenic myopathy; Malignant hyperthermia suceptibility 1; RYR1-Related Malignant Hyperthermia Susceptibility. Identifiers: Orphanet 423, MedGen C2930980, MONDO:0007783, OMIM 145600.
Central core myopathy (CMYO1A). Also called: CONGENITAL MYOPATHY 1A, AUTOSOMAL DOMINANT, WITH SUSCEPTIBILITY TO MALIGNANT HYPERTHERMIA; Central core disease; Myopathy, central fibrillar. Identifiers: Orphanet 597, MedGen C5830701, MONDO:0007294, OMIM 117000.
King Denborough syndrome (KDS). Identifiers: MedGen C1840365, MONDO:0020485, OMIM 619542.
Congenital multicore myopathy with external ophthalmoplegia (CMYO1B). Also called: MULTIMINICORE DISEASE WITH EXTERNAL OPHTHALMOPLEGIA; MULTICORE MYOPATHY; Minicore myopathy with external ophthalmoplegia; Congenital myopathy 1B, autosomal recessive; Minicore myopathy. Identifiers: Orphanet 598, Orphanet 98905, MedGen C1850674, MONDO:0009712, OMIM 255320, HP:0003789.
Congenital myopathy with fiber type disproportion. Also called: Congenital fiber-type disproportion; Congenital fiber-type disproportion myopathy. Identifiers: Orphanet 2020, MedGen C0546264, MONDO:0009711. Inheritance: all.

Allele frequency attached by ClinVar (database versions not stated): gnomAD 0.00001; TOPMed 0.00001.
gnomAD v4.1: 34 of 1,613,990 alleles (0.0021%); highest among the groups gnomAD compares: East Asian, 0.0067%; no homozygotes.

Submissions (3):

Color Diagnostics, LLC DBA Color Health
Classification: Uncertain significance for Malignant hyperthermia, susceptibility to, 1. Last evaluated: 2024-03-06. Review status: criteria provided, single submitter. Criteria: ACMG Guidelines, 2015. Collection method: clinical testing. Allele origin: germline.
Comment: This missense variant replaces arginine with histidine at codon 2697 of the RYR1 protein. Computational prediction suggests that this variant may not impact protein structure and function. To our knowledge, functional studies have not been reported for this variant. This variant has not been reported in individuals affected with RYR1-related disorders in the literature. This variant has been identified in 4/282832 chromosomes in the general population by the Genome Aggregation Database (gnomAD). The available evidence is insufficient to determine the role of this variant in disease conclusively. Therefore, this variant is classified as a Variant of Uncertain Significance.

Labcorp Genetics (formerly Invitae), Labcorp
Classification: Uncertain significance for RYR1-related disorder. Last evaluated: 2022-03-09. Review status: criteria provided, single submitter. Criteria: Invitae Variant Classification Sherloc (09022015). Collection method: clinical testing. Allele origin: germline.
Comment: This sequence change replaces arginine, which is basic and polar, with histidine, which is basic and polar, at codon 2697 of the RYR1 protein (p.Arg2697His). This variant is present in population databases (no rsID available, gnomAD 0.01%). This variant has not been reported in the literature in individuals affected with RYR1-related conditions. ClinVar contains an entry for this variant (Variation ID: 863934). Advanced modeling of protein sequence and biophysical properties (such as structural, functional, and spatial information, amino acid conservation, physicochemical variation, residue mobility, and thermodynamic stability) performed at Invitae indicates that this missense variant is not expected to disrupt RYR1 protein function. In summary, the available evidence is currently insufficient to determine the role of this variant in disease. Therefore, it has been classified as a Variant of Uncertain Significance.

Fulgent Genetics
Classification: Uncertain significance for Central core myopathy; Malignant hyperthermia, susceptibility to, 1; Congenital myopathy 4A, autosomal dominant; Congenital multicore myopathy with external ophthalmoplegia; King Denborough syndrome. Last evaluated: 2022-03-03. Review status: criteria provided, single submitter. Criteria: ACMG Guidelines, 2015. Collection method: clinical testing. Allele origin: unknown.